The following is an entry in ClinVar:

NM_000132.4(F8):c.5374-19dup

Gene: F8 (coagulation factor VIII; minus strand). Cytogenetic location: Xq28.
Variant type: Duplication.
Coding change: c.5374-19dup on transcript NM_000132.4 (MANE Select); 19 bases into the intron before coding-DNA position 5374, one base duplicated (T; older notation c.5374-19dupT).
Molecular consequence: intron variant.
Genome position (GRCh38, 1-based): chrX:154,905,042, A duplicated on the plus strand (T on the coding strand, the reverse complement: F8 is on the minus strand); the first of 12 consecutive A bases (chrX:154,905,042-154,905,053); duplicating any one gives the same sequence. VCF-style (leftmost placement, unchanged base first): chrX-154905041-C-CA. GRCh37 (hg19) VCF-style: chrX-154133316-C-CA.
Other names: p.?.
Identifiers: ClinVar variation 4684548 (VCV004684548.4).

ClinVar aggregate classification (germline): Benign. Review status: criteria provided, multiple submitters, no conflicts (2 of 4 stars). 3 submissions from 3 submitters: Benign (3). Last evaluated 2024-11-28.

Submissions (3):

Blueprint Genetics
Classification: Benign. Last evaluated: 2024-11-28. Review status: criteria provided, single submitter. Criteria: ACMG Guidelines, 2015. Collection method: clinical testing. Allele origin: germline.

Dasa
Classification: Benign. Last evaluated: 2024-10-01. Review status: criteria provided, single submitter. Criteria: DASA Assertion Criteria. Collection method: clinical testing. Allele origin: germline.
Comment: NM_000132.4(F8):c.5374-19dup is an intronic variant. Population frequency is inconsistent with a disease-causing role for this variant, observations in unaffected individuals support a benign interpretation, and the variant context is inconsistent with a known disease-causing mechanism. Therefore, based on the currently available evidence, this variant is classified as benign.

Mayo Clinic Laboratories, Mayo Clinic
Classification: Benign. Last evaluated: 2020-07-14. Review status: criteria provided, single submitter. Criteria: ACMG Guidelines, 2015. Collection method: clinical testing. Allele origin: germline. Observed: 15 variant alleles.